The following is an entry in ClinVar:

NM_020693.4(DSCAML1):c.3446G>A (p.Arg1149Gln)

Gene: DSCAML1 (DS cell adhesion molecule like 1; minus strand). Cytogenetic location: 11q23.3.
Variant type: single nucleotide variant.
Coding change: c.3446G>A on transcript NM_020693.4 (MANE Select); coding-DNA position 3446, G replaced by A.
Protein change: p.Arg1149Gln; replaces arginine 1149 with glutamine.
Molecular consequence: missense variant.
Genome position (GRCh38, 1-based): chr11:117,458,876, C>T on the plus strand (G>A on the coding strand, the complement: DSCAML1 is on the minus strand). VCF-style: chr11-117458876-C-T. GRCh37 (hg19) VCF-style: chr11-117329592-C-T.
Other names: c.3626G>A (NM_020693.2); short protein forms R1149Q.
Identifiers: ClinVar variation 1981181 (VCV001981181.5), dbSNP rs1382869472, ClinGen allele CA382734419.

ClinVar aggregate classification (germline): Uncertain significance. Review status: criteria provided, multiple submitters, no conflicts (2 of 4 stars). 2 submissions from 2 submitters: Uncertain significance (2). Last evaluated 2024-04-23.

Allele frequency attached by ClinVar (database versions not stated): gnomAD 0.00001; TOPMed 0.00001; gnomAD exomes 0.00002.
gnomAD v4.1: 30 of 1,613,932 alleles (0.0019%); highest among the groups gnomAD compares: Middle Eastern, 0.016%; no homozygotes.

Submissions (2):

Ambry Genetics
Classification: Uncertain significance. Last evaluated: 2024-04-23. Review status: criteria provided, single submitter. Criteria: Ambry Variant Classification Scheme 2023. Collection method: clinical testing. Allele origin: germline.

Labcorp Genetics (formerly Invitae), Labcorp
Classification: Uncertain significance. Last evaluated: 2022-07-03. Review status: criteria provided, single submitter. Criteria: Invitae Variant Classification Sherloc (09022015). Collection method: clinical testing. Allele origin: germline.
Comment: In summary, the available evidence is currently insufficient to determine the role of this variant in disease. Therefore, it has been classified as a Variant of Uncertain Significance. Algorithms developed to predict the effect of missense changes on protein structure and function are either unavailable or do not agree on the potential impact of this missense change (SIFT: "Deleterious"; PolyPhen-2: "Benign"; Align-GVGD: "Class C0"). This variant has not been reported in the literature in individuals affected with DSCAML1-related conditions. This variant is present in population databases (no rsID available, gnomAD 0.01%). This sequence change replaces arginine, which is basic and polar, with glutamine, which is neutral and polar, at codon 1209 of the DSCAML1 protein (p.Arg1209Gln).